The following is an entry in ClinVar:

ClinVar aggregate classification (germline): Benign (1 of 4 stars; one submission).

Allele frequency attached by ClinVar (database versions not stated): 1000 Genomes Project 0.77756; 1000 Genomes Project 30x 0.78232; gnomAD 0.80195 and 0.81275; TOPMed 0.82075.

Submission:

GeneDx
Classification: Benign. Last evaluated: 2018-06-18. Review status: criteria provided, single submitter. Criteria: GeneDx Variant Classification (06012015). Collection method: clinical testing. Allele origin: germline. Affected: yes.
Comment: This variant is considered likely benign or benign based on one or more of the following criteria: it is a conservative change, it occurs at a poorly conserved position in the protein, it is predicted to be benign by multiple in silico algorithms, and/or has population frequency not consistent with disease.

NM_001101426.4(CRPPA):c.789+321T>A

Gene: CRPPA (CDP-L-ribitol pyrophosphorylase A; minus strand). Cytogenetic location: 7p21.2.
Variant type: single nucleotide variant.
Coding change: c.789+321T>A on transcript NM_001101426.4 (MANE Select); 321 bases into the intron after coding-DNA position 789, T replaced by A.
Molecular consequence: intron variant.
Genome position (GRCh38, 1-based): chr7:16,308,202, A>T on the plus strand (T>A on the coding strand, the complement: CRPPA is on the minus strand). VCF-style: chr7-16308202-A-T. GRCh37 (hg19) VCF-style: chr7-16347827-A-T.
Other names: c.639+321T>A (NM_001101417.4); c.685-6736T>A (NM_001368197.1).
Identifiers: ClinVar variation 683645 (VCV000683645.1), dbSNP rs62441884, ClinGen allele CA154751809.